The following is an entry in ClinVar:

ClinVar aggregate classification (germline): Pathogenic. Review status: reviewed by expert panel (3 of 4 stars). 3 submissions from 3 submitters: Pathogenic (1). 2 of the submissions do not count toward it. Last evaluated 2026-09-16.

Conditions:
Nonsyndromic genetic hearing loss. Also called: Nonsyndromic genetic deafness; Nonsyndromic hearing loss and deafness; Non-syndromic genetic deafness. Identifiers: Orphanet 87884, MedGen C5680182, MONDO:0019497.

gnomAD v4.1: 1 of 1,612,424 alleles (0.000062%); highest among the groups gnomAD compares: Non-Finnish European, 0.000085%; no homozygotes.

Submissions (3):

ClinGen Hearing Loss Variant Curation Expert Panel
Classification: Pathogenic for Nonsyndromic genetic hearing loss. Last evaluated: 2026-09-16. Review status: reviewed by expert panel. Criteria: Clingen Hl Acmg Specifications Cdh23 Coch Gjb2 Kcnq4 Myo6 Myo7a Slc26a4 Tecta Ush2a V2. Collection method: curation. Allele origin: germline. Inheritance: Autosomal recessive inheritance.
Comment: The c.139G>A variant in GJB2 is a missense variant predicted to cause substitution of glutamic acid by lysine at amino acid 47 (p.Glu47Lys). The highest population minor allele frequency in gnomAD v4.1.1 is 0.00008485% (1/1178590 -European [non-Finnish], PM2_Supporting met). The computational predictor REVEL yields a score of 0.971 (PP3 met). This variant has been detected in at least four individuals with HL, who were compound heterozygous for the variant and pathogenic/likely pathogenic variants del(GJB6-D13S1830), c.299_300delAT (p.His100Argfs), c.235delC (p.Leu79fs), c.269T>C (p.Leu90Pro), confirmed in trans totaling 4.0 points (PM3_VeryStrong; PMIDs: 17666888, 19366456, 20234132, 21366436). Fluorescent dye assay studies in GJB2-expressing HEK293 and HeLa cells showed absent ionic and biochemical coupling (PS3_Moderate; PMIDs: 17146396, 26749107). In summary, based on the current evidence (PM3_VeryStrong, PS3_Moderate, PP3 & PM2_Supporting) this variant meets criteria to be classified as pathogenic for autosomal recessive nonsyndromic HL based on the ACMG/AMP criteria applied, as specified by the ClinGen HL-VCEP. (ClinGen Hearing Loss VCEP specifications version 2; 09/16/2026).

Labcorp Genetics (formerly Invitae), Labcorp
Classification: Uncertain significance. Last evaluated: 2025-05-04. Review status: criteria provided, single submitter. Criteria: Invitae Variant Classification Sherloc (09022015). Collection method: clinical testing. Allele origin: germline. Not counted in ClinVar's aggregate classification.
Comment: This sequence change replaces glutamic acid, which is acidic and polar, with lysine, which is basic and polar, at codon 47 of the GJB2 protein (p.Glu47Lys). This variant is present in population databases (no rsID available, gnomAD 0.0009%). This missense change has been observed in individual(s) with clinical features of GJB2-related conditions (PMID: 11102979, 17666888, 19366456, 20234132, 21366436, 25493717). ClinVar contains an entry for this variant (Variation ID: 1806861). Invitae Evidence Modeling of protein sequence and biophysical properties (such as structural, functional, and spatial information, amino acid conservation, physicochemical variation, residue mobility, and thermodynamic stability) indicates that this missense variant is expected to disrupt GJB2 protein function with a positive predictive value of 95%. Experimental studies have shown that this missense change affects GJB2 function (PMID: 17146396, 26749107). In summary, the available evidence is currently insufficient to determine the role of this variant in disease. Therefore, it has been classified as a Variant of Uncertain Significance.

Athena Diagnostics
Classification: Pathogenic. Last evaluated: 2021-06-15. Review status: criteria provided, single submitter. Criteria: Athena Diagnostics Criteria. Collection method: clinical testing. Allele origin: unknown. Not counted in ClinVar's aggregate classification.
Comment: This variant is statistically more frequent in affected individuals than in the general population and/or healthy controls. Assessment of experimental evidence suggests this variant results in abnormal protein function. Multiple studies in various cell types show that this variant prevents cell-to-cell junctions from functioning (PMID: 17146396, 26749107).

Literature cited by the submitters: PubMed 11102979 (cited by Labcorp Genetics (formerly Invitae), Labcorp and Athena Diagnostics); PubMed 17666888 (cited by Labcorp Genetics (formerly Invitae), Labcorp and Athena Diagnostics); PubMed 19366456 (cited by Labcorp Genetics (formerly Invitae), Labcorp and Athena Diagnostics); PubMed 20234132 (cited by Labcorp Genetics (formerly Invitae), Labcorp); PubMed 21366436 (cited by Labcorp Genetics (formerly Invitae), Labcorp); PubMed 25493717 (cited by Labcorp Genetics (formerly Invitae), Labcorp and Athena Diagnostics); PubMed 17146396 (cited by Labcorp Genetics (formerly Invitae), Labcorp and Athena Diagnostics); PubMed 26749107 (cited by Labcorp Genetics (formerly Invitae), Labcorp and Athena Diagnostics); PubMed 12325027 (cited by Athena Diagnostics).

NM_004004.6(GJB2):c.139G>A (p.Glu47Lys)

Gene: GJB2 (gap junction protein beta 2; minus strand). Cytogenetic location: 13q12.11.
Variant type: single nucleotide variant.
Coding change: c.139G>A on transcript NM_004004.6 (MANE Select); coding-DNA position 139, G replaced by A.
Protein change: p.Glu47Lys; replaces glutamic acid 47 with lysine.
Molecular consequence: missense variant.
Genome position (GRCh38, 1-based): chr13:20,189,443, C>T on the plus strand (G>A on the coding strand, the complement: GJB2 is on the minus strand). VCF-style: chr13-20189443-C-T. GRCh37 (hg19) VCF-style: chr13-20763582-C-T.
Other names: NM_004004.6(GJB2):c.139G>A; p.Glu47Lys; short protein forms E47K.
Identifiers: ClinVar variation 1806861 (VCV001806861.5), dbSNP rs104894398, ClinGen allele CA387461835.